The following is an entry in ClinVar:

NM_005502.4(ABCA1):c.3112C>T (p.Gln1038Ter)

Gene: ABCA1 (ATP binding cassette subfamily A member 1; minus strand). Cytogenetic location: 9q31.1.
Variant type: single nucleotide variant.
Coding change: c.3112C>T on transcript NM_005502.4 (MANE Select); coding-DNA position 3112, C replaced by T.
Protein change: p.Gln1038Ter; replaces glutamine 1038 with a stop codon.
Molecular consequence: nonsense.
Genome position (GRCh38, 1-based): chr9:104,819,715, G>A on the plus strand (C>T on the coding strand, the complement: ABCA1 is on the minus strand). VCF-style: chr9-104819715-G-A. GRCh37 (hg19) VCF-style: chr9-107581996-G-A.
Other names: short protein forms Q1038*.
Identifiers: ClinVar variation 4813698 (VCV004813698.1).

ClinVar aggregate classification (germline): Pathogenic (1 of 4 stars; one submission).

Conditions:
Tangier disease (TGD). Also called: HIGH DENSITY LIPOPROTEIN DEFICIENCY, TANGIER TYPE; HIGH DENSITY LIPOPROTEIN DEFICIENCY, TYPE 1; Cholesterol thesaurismosis. Identifiers: Orphanet 31150, MedGen C0039292, MONDO:0008783, OMIM 205400.

Submission:

Variantyx, Inc.
Classification: Pathogenic for Tangier disease. Last evaluated: 2025-10-15. Review status: criteria provided, single submitter. Criteria: Variantyx Assertion Criteria 2022. Collection method: clinical testing. Allele origin: germline. Inheritance: Autosomal recessive inheritance. Affected: no.
Comment: This is a nonsense variant in the ABCA1 gene (OMIM: 600046). Pathogenic variants in this gene have been associated with autosomal recessive Tangier disease. This variant introduces a premature termination codon in exon 22 out of 50 and is expected to result in loss of function, which is a known disease mechanism for ABCA1 in this disorder (PMID: 27853448, 11111099) (PVS1). This variant has been identified in the homozygous or compound heterozygous state in at least 2 individuals reported in the published literature (PMID: 25308558, 23136402) (PM3). This variant is absent from control populations (PM2) and has not been reported in individuals with ABCA1-related disorders in the databases available for review. Based on the current evidence, this variant is classified as pathogenic for autosomal recessive Tangier disease.

Literature cited by the submitters: PubMed 27853448; PubMed 11111099; PubMed 25308558; PubMed 23136402.